The following is an entry in ClinVar:

ClinVar aggregate classification (germline): Uncertain significance (1 of 4 stars; one submission).

Conditions:
Familial thoracic aortic aneurysm and aortic dissection (TAAD). Also called: Thoracic aortic aneurysms and dissections. Identifiers: Orphanet 91387, MedGen C4707243, MONDO:0019625.

Submission:

Color Diagnostics, LLC DBA Color Health
Classification: Uncertain significance for Familial thoracic aortic aneurysm and aortic dissection. Last evaluated: 2024-03-06. Review status: criteria provided, single submitter. Criteria: ACMG Guidelines, 2015. Collection method: clinical testing. Allele origin: germline.
Comment: This missense variant replaces valine with alanine at codon 63 of the MYH11 protein. Computational prediction suggests that this variant may not impact protein structure and function (internally defined REVEL score threshold <= 0.5, PMID: 27666373). To our knowledge, functional studies have not been reported for this variant. This variant has not been reported in individuals affected with cardiovascular disorders in the literature. This variant has not been identified in the general population by the Genome Aggregation Database (gnomAD). The available evidence is insufficient to determine the role of this variant in disease conclusively. Therefore, this variant is classified as a Variant of Uncertain Significance.

NM_002474.3(MYH11):c.188T>C (p.Val63Ala)

Gene: MYH11 (myosin heavy chain 11; minus strand). Cytogenetic location: 16p13.11.
Variant type: single nucleotide variant.
Coding change: c.188T>C on transcript NM_002474.3 (MANE Select); coding-DNA position 188, T replaced by C.
Protein change: p.Val63Ala; replaces valine 63 with alanine.
Molecular consequence: missense variant.
Genome position (GRCh38, 1-based): chr16:15,838,065, A>G on the plus strand (T>C on the coding strand, the complement: MYH11 is on the minus strand). VCF-style: chr16-15838065-A-G. GRCh37 (hg19) VCF-style: chr16-15931922-A-G.
Other names: c.188T>C, p.Val63Ala (NM_001040113.2, NM_001040114.2, NM_022844.3); short protein forms V63A.
Identifiers: ClinVar variation 1332424 (VCV001332424.3), dbSNP rs2043950389, ClinGen allele CA395198481.